The following is an entry in ClinVar:

NM_001167.4(XIAP):c.*4610C>T

Gene: XIAP (X-linked inhibitor of apoptosis; plus strand). Cytogenetic location: Xq25.
Variant type: single nucleotide variant.
Coding change: c.*4610C>T on transcript NM_001167.4 (MANE Select); 4610 bases downstream of the stop codon, C replaced by T.
Molecular consequence: 3 prime UTR variant. On other transcripts: non-coding transcript variant (2).
Genome position (GRCh38, 1-based): chrX:123,911,791, C>T. VCF-style: chrX-123911791-C-T. GRCh37 (hg19) VCF-style: chrX-123045641-C-T.
Other names: c.*4610C>T (NM_001204401.2, NM_001378590.1, NM_001378591.1 and 1 more transcripts).
Identifiers: ClinVar variation 367837 (VCV000367837.6), dbSNP rs9856, ClinGen allele CA10508366.

ClinVar aggregate classification (germline): Benign. Review status: criteria provided, multiple submitters, no conflicts (2 of 4 stars). 2 submissions from 2 submitters: Benign (2). Last evaluated 2017-04-27.

Conditions:
X-linked lymphoproliferative disease due to XIAP deficiency. Also called: XIAP DEFICIENCY; XIAP-Related Lymphoproliferative Disease, X-Linked. Identifiers: Orphanet 2442, Orphanet 538934, MedGen C1845076, MONDO:0010385, OMIM 300635.

Allele frequency attached by ClinVar (database versions not stated): gnomAD exomes 0.56581 and 0.57097; ExAC 0.58002; 1000 Genomes Project 0.58437; 1000 Genomes Project 30x 0.58647; TOPMed 0.59594; gnomAD 0.60235.

Submissions (2):

Illumina Laboratory Services, Illumina
Classification: Benign for X-linked lymphoproliferative disease due to XIAP deficiency. Last evaluated: 2017-04-27. Review status: criteria provided, single submitter. Criteria: ICSL Variant Classification Criteria 13 December 2019. Collection method: clinical testing. Allele origin: germline.
Comment: This variant was observed as part of a predisposition screen in an ostensibly healthy population. A literature search was performed for the gene, cDNA change, and amino acid change (where applicable). No publications were found based on this search. Allele frequency data from public databases was too high to be consistent with this variant causing disease. Therefore, this variant is classified as benign.

Breakthrough Genomics
Classification: Benign. Review status: criteria provided, single submitter. Criteria: ACMG Guidelines, 2015. Collection method: not provided. Allele origin: germline. Inheritance: X-linked inheritance. Affected: yes.